The following is an entry in ClinVar:

ClinVar aggregate classification (germline): other (0 of 4 stars; one submission).

Conditions:
Familial colorectal cancer. Identifiers: MedGen CN280943, MONDO:0023113. Disease mechanism: loss of function.

Submission:

Systems Biology Platform Zhejiang California International NanoSystems Institute
Classification: other for Familial colorectal cancer. Review status: no assertion criteria provided. Collection method: not provided. Allele origin: unknown.
ClinVar note: Converted during submission from cancer to other.

NM_000038.6(APC):c.645+4262G>T

Gene: APC (APC regulator of WNT signaling pathway; plus strand). Cytogenetic location: 5q22.2.
Variant type: single nucleotide variant.
Coding change: c.645+4262G>T on transcript NM_000038.6 (MANE Select); 4262 bases into the intron after coding-DNA position 645, G replaced by T.
Molecular consequence: intron variant.
Genome position (GRCh38, 1-based): chr5:112,785,165, G>T. VCF-style: chr5-112785165-G-T. GRCh37 (hg19) VCF-style: chr5-112120862-G-T.
Other names: c.645+4262G>T (NM_001354895.2, NM_001127510.3, NM_001354896.2 and 2 more transcripts); c.675+4262G>T (NM_001354897.2, NM_001354902.2, NM_001127511.3); c.570+4262G>T (NM_001354898.2, NM_001354904.2); c.-391+4262G>T (NM_001354906.2); c.468+4262G>T (NM_001354900.2, NM_001354901.2, NM_001354905.2).
Identifiers: ClinVar variation 82452 (VCV000082452.2), dbSNP rs76768942, ClinGen allele CA011487.
Genomic context (GRCh38, chr5:112,785,165, plus strand): 5'-CATTAATATGTTTGAGTAGCTTGCCGTCATCACTATTATTTAACTTTGTTTGACAGGCTT[G>T]ACTAATGCAAGTAGAAAAAACAAAATAAGTGTTATGAATCCTACACTATTTTTGAACTAG-3'